The following is an entry in ClinVar:

NM_001099271.2(POC5):c.1187A>G (p.Glu396Gly)

Gene: POC5 (POC5 centriolar protein; minus strand). Cytogenetic location: 5q13.3.
Variant type: single nucleotide variant.
Coding change: c.1187A>G on transcript NM_001099271.2 (MANE Select); coding-DNA position 1187, A replaced by G.
Protein change: p.Glu396Gly; replaces glutamic acid 396 with glycine.
Molecular consequence: missense variant.
Genome position (GRCh38, 1-based): chr5:75,685,427, T>C on the plus strand (A>G on the coding strand, the complement: POC5 is on the minus strand). VCF-style: chr5-75685427-T-C. GRCh37 (hg19) VCF-style: chr5-74981252-T-C.
Other names: c.1112A>G, p.Glu371Gly (NM_152408.3); short protein forms E396G, E371G.
Identifiers: ClinVar variation 3638235 (VCV003638235.2).
Genomic context (GRCh38, chr5:75,685,427, plus strand): 5'-AGTGGTGATGTAACTGGTAAGGGCATCGGAGGAGCTGAAGGATCCAAATGAGCAGAATGT[T>C]CTTTTCCTTGAACACCAGGACCATACTCTTCCTTTTTATTATTTGTGGAGTCTATCCCTA-3'
Protein context (NP_001092741.1, residues 386-406): EEYGPGVQGK[Glu396Gly]HSAHLDPSAP

ClinVar aggregate classification (germline): Uncertain significance (1 of 4 stars; one submission).

Submission:

Labcorp Genetics (formerly Invitae), Labcorp
Classification: Uncertain significance. Last evaluated: 2024-02-02. Review status: criteria provided, single submitter. Criteria: Invitae Variant Classification Sherloc (09022015). Collection method: clinical testing. Allele origin: germline.
Comment: This sequence change replaces glutamic acid, which is acidic and polar, with glycine, which is neutral and non-polar, at codon 396 of the POC5 protein (p.Glu396Gly). This variant is not present in population databases (gnomAD no frequency). This variant has not been reported in the literature in individuals affected with POC5-related conditions. An algorithm developed to predict the effect of missense changes on protein structure and function (PolyPhen-2) suggests that this variant is likely to be disruptive. In summary, the available evidence is currently insufficient to determine the role of this variant in disease. Therefore, it has been classified as a Variant of Uncertain Significance.